The following is an entry in ClinVar:

ClinVar aggregate classification (germline): Uncertain significance (1 of 4 stars; one submission).

Conditions:
Hereditary cancer-predisposing syndrome. Also called: Neoplastic Syndromes, Hereditary; Tumor predisposition; Hereditary Cancer Syndrome; Hereditary neoplastic syndrome. Identifiers: Orphanet 140162, MedGen C0027672, MeSH D009386, MONDO:0015356.

Submission:

Ambry Genetics
Classification: Uncertain significance for Hereditary cancer-predisposing syndrome. Last evaluated: 2022-10-29. Review status: criteria provided, single submitter. Criteria: Ambry Variant Classification Scheme 2023. Collection method: clinical testing. Allele origin: germline.
Comment: The p.D127E variant (also known as c.381C>A), located in coding exon 1 of the CDKN1B gene, results from a C to A substitution at nucleotide position 381. The aspartic acid at codon 127 is replaced by glutamic acid, an amino acid with highly similar properties. This amino acid position is conserved. In addition, this alteration is predicted to be tolerated by in silico analysis. Since supporting evidence is limited at this time, the clinical significance of this alteration remains unclear.

NM_004064.5(CDKN1B):c.381C>A (p.Asp127Glu)

Gene: CDKN1B (cyclin dependent kinase inhibitor 1B; plus strand). Cytogenetic location: 12p13.1.
Variant type: single nucleotide variant.
Coding change: c.381C>A on transcript NM_004064.5 (MANE Select); coding-DNA position 381, C replaced by A.
Protein change: p.Asp127Glu; replaces aspartic acid 127 with glutamic acid.
Molecular consequence: missense variant.
Genome position (GRCh38, 1-based): chr12:12,718,220, C>A. VCF-style: chr12-12718220-C-A. GRCh37 (hg19) VCF-style: chr12-12871154-C-A.
Other names: short protein forms D127E.
Identifiers: ClinVar variation 1735228 (VCV001735228.2), dbSNP rs1467938762, ClinGen allele CA383970531.